The following is an entry in ClinVar:

NM_000551.4(VHL):c.628C>T (p.Arg210Trp)

Genes: VHL (von Hippel-Lindau tumor suppressor; plus strand), LOC107303340 (3p25 von Hippel-Lindau tumor suppressor, E3 ubiquitin protein ligase Alu-mediated recombination region; plus strand). Cytogenetic location: 3p25.3.
Variant type: single nucleotide variant.
Coding change: c.628C>T on transcript NM_000551.4 (MANE Select); coding-DNA position 628, C replaced by T.
Protein change: p.Arg210Trp; replaces arginine 210 with tryptophan.
Molecular consequence: missense variant. On other transcripts: 3 prime UTR variant (1).
Genome position (GRCh38, 1-based): chr3:10,149,951, C>T. VCF-style: chr3-10149951-C-T. GRCh37 (hg19) VCF-style: chr3-10191635-C-T.
Other names: c.*182C>T (NM_001354723.2); c.505C>T, p.Arg169Trp (NM_198156.3); short protein forms R210W, R169W.
Identifiers: ClinVar variation 220627 (VCV000220627.28), dbSNP rs774380450, ClinGen allele CA041992.

ClinVar aggregate classification (germline): Conflicting classifications of pathogenicity. Review status: criteria provided, conflicting classifications (1 of 4 stars). 12 submissions from 12 submitters: Likely pathogenic (1); Uncertain significance (7); Likely benign (3). 1 of the submissions does not count toward it. Last evaluated 2026-07-09.

Conditions:
VHL-related disorder. Also called: VHL-related condition.
Chuvash polycythemia. Also called: POLYCYTHEMIA, VHL-DEPENDENT. Identifiers: Orphanet 238557, MedGen C1837915, MONDO:0009892, OMIM 263400.
Von Hippel-Lindau syndrome (VHLS). Also called: Von Hippel-Lindau; VHL syndrome; von Hippel–Lindau syndrome. Identifiers: Orphanet 892, MedGen C0019562, MONDO:0008667, OMIM 193300. Disease mechanism: loss of function.
Hereditary cancer-predisposing syndrome. Also called: Neoplastic Syndromes, Hereditary; Tumor predisposition; Hereditary Cancer Syndrome; Hereditary neoplastic syndrome. Identifiers: Orphanet 140162, MedGen C0027672, MeSH D009386, MONDO:0015356.
Maffucci syndrome. Also called: MULTIPLE ENCHONDROMATOSIS, MAFFUCCI TYPE; Dyschondrodysplasia with Hemangiomas; Enchondromatosis with Multiple Cavernous Hemangiomas; Hemangiomatosis Chondrodystrophica; Multiple Angiomas and Endochondromas; Kast Syndrome. Identifiers: Orphanet 163634, MedGen C0024454, MONDO:0013808, OMIM 614569.
Nonpapillary renal cell carcinoma. Identifiers: Orphanet 422526, MedGen CN074294, MONDO:0007763, OMIM 144700.
Pheochromocytoma. Also called: MAX-Related Hereditary Paraganglioma-Pheochromocytoma Syndrome. Identifiers: Orphanet 29072, MedGen C0031511, MONDO:0008233, OMIM 171300, HP:0002666.

Allele frequency attached by ClinVar (database versions not stated): gnomAD 0.00002 and 0.00003; gnomAD exomes 0.00002 and 0.00004; TOPMed 0.00002; ExAC 0.00005.
gnomAD v4.1: 38 of 1,613,774 alleles (0.0024%); highest among the groups gnomAD compares: East Asian, 0.013%; no homozygotes.

Submissions (12):

PreventionGenetics, part of Exact Sciences
Classification: Uncertain significance for VHL-related condition. Last evaluated: 2026-07-09. Review status: criteria provided, single submitter. Criteria: ACMG Guidelines, 2015. Collection method: clinical testing. Allele origin: germline.
Comment: The VHL c.628C>T variant is predicted to result in the amino acid substitution p.Arg210Trp. This variant has been reported in an individual with Maffucci syndrome and was interpreted as a VUS (Poll et al. 2022. PubMed ID: 36480544). This variant was also reported in three individuals with various cancers in a clinical whole genome sequencing cohort including kidney, breast and pancreatic (Table S16, Jensson et al. 2023. PubMed ID: 37937776). This variant is reported in 0.016% of alleles in individuals of East Asian descent in gnomAD, and it has conflicting classifications in ClinVar ranging from likely benign to likely pathogenic (Variation ID: 220627). At this time, the clinical significance of this variant is uncertain due to the absence of conclusive functional and genetic evidence.

Labcorp Genetics (formerly Invitae), Labcorp
Classification: Uncertain significance for Von Hippel-Lindau syndrome; Chuvash polycythemia. Last evaluated: 2025-11-06. Review status: criteria provided, single submitter. Criteria: Invitae Variant Classification Sherloc (09022015). Collection method: clinical testing. Allele origin: germline.
Comment: This sequence change replaces arginine, which is basic and polar, with tryptophan, which is neutral and slightly polar, at codon 210 of the VHL protein (p.Arg210Trp). This variant is present in population databases (rs774380450, gnomAD 0.02%). This missense change has been observed in individual(s) with kidney cancer, brain cancer and/or pancreatic cancer (PMID: 37937776). ClinVar contains an entry for this variant (Variation ID: 220627). Invitae Evidence Modeling of protein sequence and biophysical properties (such as structural, functional, and spatial information, amino acid conservation, physicochemical variation, residue mobility, and thermodynamic stability) indicates that this missense variant is not expected to disrupt VHL protein function with a negative predictive value of 95%. In summary, the available evidence is currently insufficient to determine the role of this variant in disease. Therefore, it has been classified as a Variant of Uncertain Significance.

GeneDx
Classification: Uncertain significance. Last evaluated: 2025-10-29. Review status: criteria provided, single submitter. Criteria: GeneDx Variant Classification Process June 2021. Collection method: clinical testing. Allele origin: germline. Affected: yes.
Comment: Observed in a patient with Maffucci syndrome and nasopharyngeal carcinoma in the published literature (PMID: 36480544); In silico analysis suggests that this missense variant does not alter protein structure/function; Also known as c.841C>T; p.R281W; p.R251W; This variant is associated with the following publications: (PMID: 20151405, 22549840, 9067265, 36480544, 37937776, 36936415)

Myriad Genetics, Inc.
Classification: Likely benign for Von Hippel-Lindau syndrome. Last evaluated: 2025-06-13. Review status: criteria provided, single submitter. Criteria: Myriad Autosomal Dominant, Autosomal Recessive and X-Linked Classification Criteria (2023). Collection method: clinical testing. Allele origin: unknown.
Comment: This variant is considered likely benign. This variant has been observed at a population frequency that is significantly greater than expected given the associated disease prevalence and penetrance.

Color Diagnostics, LLC DBA Color Health
Classification: Likely benign for Von Hippel-Lindau syndrome. Last evaluated: 2025-06-11. Review status: criteria provided, single submitter. Criteria: ACMG Guidelines, 2015. Collection method: clinical testing. Allele origin: germline.

Center for Genomic Medicine, Rigshospitalet, Copenhagen University Hospital
Classification: Uncertain significance. Last evaluated: 2025-03-04. Review status: criteria provided, single submitter. Criteria: ACMG Guidelines, 2015. Collection method: clinical testing. Allele origin: germline.
Comment: Classification criteria: BS1

Quest Diagnostics Nichols Institute San Juan Capistrano
Classification: Uncertain significance. Last evaluated: 2025-02-11. Review status: criteria provided, single submitter. Criteria: Quest Diagnostics criteria. Collection method: clinical testing. Allele origin: unknown.

Fulgent Genetics
Classification: Uncertain significance for Nonpapillary renal cell carcinoma; Pheochromocytoma; Von Hippel-Lindau syndrome; Chuvash polycythemia. Last evaluated: 2024-02-05. Review status: criteria provided, single submitter. Criteria: ACMG Guidelines, 2015. Collection method: clinical testing. Allele origin: germline.

Baylor Genetics
Classification: Uncertain significance for Chuvash polycythemia. Last evaluated: 2023-08-12. Review status: criteria provided, single submitter. Criteria: ACMG Guidelines, 2015. Collection method: clinical testing. Allele origin: unknown.

Ambry Genetics
Classification: Likely benign for Hereditary cancer-predisposing syndrome. Last evaluated: 2023-01-05. Review status: criteria provided, single submitter. Criteria: Ambry Variant Classification Scheme 2023. Collection method: clinical testing. Allele origin: germline.

Baylor-Hopkins Center for Mendelian Genomics, Johns Hopkins University School of Medicine
Classification: Likely pathogenic for Maffucci syndrome. Review status: criteria provided, single submitter. Criteria: ACMG Guidelines, 2015. Collection method: research. Allele origin: unknown. Affected: yes. Observed: 1 heterozygote.

Counsyl
Classification: Uncertain significance for Von Hippel-Lindau syndrome. Last evaluated: 2018-01-08. Review status: no assertion criteria provided. Collection method: clinical testing. Allele origin: unknown. Not counted in ClinVar's aggregate classification.

Literature cited by the submitters: PubMed 37937776 (cited by Labcorp Genetics (formerly Invitae), Labcorp).